The following is an entry in ClinVar:

ClinVar aggregate classification (germline): Uncertain significance. Review status: criteria provided, multiple submitters, no conflicts (2 of 4 stars). 2 submissions from 2 submitters: Uncertain significance (2). Last evaluated 2025-10-22.

Conditions:
Inborn genetic diseases. Identifiers: MedGen C0950123, MeSH D030342.
Vici syndrome (VICIS). Identifiers: Orphanet 1493, MedGen C1855772, MONDO:0009452, OMIM 242840.

Allele frequency attached by ClinVar (database versions not stated): TOPMed 0.00016; ExAC 0.00023; ESP Exome Variant Server 0.00034; 1000 Genomes Project 0.00020; gnomAD 0.00011; gnomAD exomes 0.00012 and 0.00019; 1000 Genomes Project 30x 0.00031.
gnomAD v4.1: 201 of 1,614,166 alleles (0.012%); highest among the groups gnomAD compares: Middle Eastern, 0.13%; no homozygotes.

Submissions (2):

Ambry Genetics
Classification: Uncertain significance for Inborn genetic diseases. Last evaluated: 2025-10-22. Review status: criteria provided, single submitter. Criteria: Ambry Variant Classification Scheme 2023. Collection method: clinical testing. Allele origin: germline.

Labcorp Genetics (formerly Invitae), Labcorp
Classification: Uncertain significance for Vici syndrome. Last evaluated: 2022-08-23. Review status: criteria provided, single submitter. Criteria: Invitae Variant Classification Sherloc (09022015). Collection method: clinical testing. Allele origin: germline.
Comment: This sequence change replaces glutamic acid, which is acidic and polar, with lysine, which is basic and polar, at codon 142 of the EPG5 protein (p.Glu142Lys). This variant is present in population databases (rs190673127, gnomAD 0.06%). This variant has not been reported in the literature in individuals affected with EPG5-related conditions. ClinVar contains an entry for this variant (Variation ID: 653377). Algorithms developed to predict the effect of missense changes on protein structure and function output the following: SIFT: "Deleterious"; PolyPhen-2: "Benign"; Align-GVGD: "Class C0". The lysine amino acid residue is found in multiple mammalian species, which suggests that this missense change does not adversely affect protein function. Algorithms developed to predict the effect of sequence changes on RNA splicing suggest that this variant may create or strengthen a splice site. In summary, the available evidence is currently insufficient to determine the role of this variant in disease. Therefore, it has been classified as a Variant of Uncertain Significance.

NM_020964.3(EPG5):c.424G>A (p.Glu142Lys)

Gene: EPG5 (ectopic P-granules 5 autophagy tethering factor; minus strand). Cytogenetic location: 18q21.1.
Variant type: single nucleotide variant.
Coding change: c.424G>A on transcript NM_020964.3 (MANE Select); coding-DNA position 424, G replaced by A.
Protein change: p.Glu142Lys; replaces glutamic acid 142 with lysine.
Molecular consequence: missense variant.
Genome position (GRCh38, 1-based): chr18:45,954,978, C>T on the plus strand (G>A on the coding strand, the complement: EPG5 is on the minus strand). VCF-style: chr18-45954978-C-T. GRCh37 (hg19) VCF-style: chr18-43534944-C-T.
Other names: c.424G>A, p.Glu142Lys (LRG_1234t1); short protein forms E142K.
Identifiers: ClinVar variation 653377 (VCV000653377.8), dbSNP rs190673127, ClinGen allele CA8949949.